The following is an entry in ClinVar:

NM_001386298.1(CIC):c.5683C>G (p.Leu1895Val)

Gene: CIC (capicua transcriptional repressor; plus strand). Cytogenetic location: 19q13.2.
Variant type: single nucleotide variant.
Coding change: c.5683C>G on transcript NM_001386298.1 (MANE Select); coding-DNA position 5683, C replaced by G.
Protein change: p.Leu1895Val; replaces leucine 1895 with valine.
Molecular consequence: missense variant.
Genome position (GRCh38, 1-based): chr19:42,292,155, C>G. VCF-style: chr19-42292155-C-G. GRCh37 (hg19) VCF-style: chr19-42796307-C-G.
Other names: c.5683C>G, p.Leu1895Val (NM_001304815.2, NM_001379480.1, NM_001379482.1); c.2956C>G, p.Leu986Val (NM_001379484.1, NM_001379485.1, NM_015125.5); c.2956C>G (NM_015125.4); short protein forms L986V, L1895V.
Identifiers: ClinVar variation 133906 (VCV000133906.27), dbSNP rs143825601, ClinGen allele CA158130.

ClinVar aggregate classification (germline): Likely benign. Review status: criteria provided, multiple submitters, no conflicts (2 of 4 stars). 4 submissions from 4 submitters: Likely benign (3). 1 of the submissions does not count toward it. Last evaluated 2026-04-01.

Conditions:
CIC-related disorder. Also called: CIC-related condition.

Allele frequency attached by ClinVar (database versions not stated): 1000 Genomes Project 30x 0.00047; 1000 Genomes Project 0.00060; gnomAD 0.00066 and 0.00067; TOPMed 0.00073; ESP Exome Variant Server 0.00077.
gnomAD v4.1: 1,082 of 1,613,982 alleles (0.067%); highest among the groups gnomAD compares: Non-Finnish European, 0.082%; no homozygotes.

Submissions (4):

CeGaT Center for Human Genetics Tuebingen
Classification: Likely benign. Last evaluated: 2026-04-01. Review status: criteria provided, single submitter. Criteria: CeGaT Center For Human Genetics Tuebingen Variant Classification Criteria Version 2. Collection method: clinical testing. Allele origin: germline. Affected: yes. Observed: 7 variant alleles.
Comment: CIC: BP4, BS1

PreventionGenetics, part of Exact Sciences
Classification: Likely benign for CIC-related condition. Last evaluated: 2025-06-24. Review status: criteria provided, single submitter. Criteria: ACMG Guidelines, 2015. Collection method: clinical testing. Allele origin: germline.
Comment: This variant is classified as likely benign based on ACMG/AMP sequence variant interpretation guidelines (Richards et al. 2015 PMID: 25741868, with internal and published modifications).

Blueprint Genetics
Classification: Likely benign. Last evaluated: 2024-11-13. Review status: criteria provided, single submitter. Criteria: ACMG Guidelines, 2015. Collection method: clinical testing. Allele origin: germline.

ITMI
No classification provided. Condition: AllHighlyPenetrant. Last evaluated: 2013-09-19. Review status: no classification provided. Collection method: reference population. Allele origin: germline. Not counted in ClinVar's aggregate classification.
Comment: Please see associated publication for description of ethnicities

Literature cited by the submitters: PubMed 24728327 (cited by ITMI).